The following is an entry in ClinVar:

ClinVar aggregate classification (germline): Uncertain significance (1 of 4 stars; one submission).

Submission:

Labcorp Genetics (formerly Invitae), Labcorp
Classification: Uncertain significance. Last evaluated: 2024-09-08. Review status: criteria provided, single submitter. Criteria: Invitae Variant Classification Sherloc (09022015). Collection method: clinical testing. Allele origin: germline.
Comment: This sequence change replaces isoleucine, which is neutral and non-polar, with leucine, which is neutral and non-polar, at codon 322 of the FBXO11 protein (p.Ile322Leu). This variant is not present in population databases (gnomAD no frequency). This variant has not been reported in the literature in individuals affected with FBXO11-related conditions. An algorithm developed to predict the effect of missense changes on protein structure and function (PolyPhen-2) suggests that this variant is likely to be tolerated. In summary, the available evidence is currently insufficient to determine the role of this variant in disease. Therefore, it has been classified as a Variant of Uncertain Significance.

NM_001190274.2(FBXO11):c.964A>C (p.Ile322Leu)

Gene: FBXO11 (F-box protein 11; minus strand). Cytogenetic location: 2p16.3.
Variant type: single nucleotide variant.
Coding change: c.964A>C on transcript NM_001190274.2 (MANE Select); coding-DNA position 964, A replaced by C.
Protein change: p.Ile322Leu; replaces isoleucine 322 with leucine.
Molecular consequence: missense variant.
Genome position (GRCh38, 1-based): chr2:47,833,041, T>G on the plus strand (A>C on the coding strand, the complement: FBXO11 is on the minus strand). VCF-style: chr2-47833041-T-G. GRCh37 (hg19) VCF-style: chr2-48060180-T-G.
Other names: c.712A>C, p.Ile238Leu (NM_001374325.1, NM_025133.4); short protein forms I238L, I322L.
Identifiers: ClinVar variation 3613594 (VCV003613594.2).